The following is an entry in ClinVar:

NM_001042492.3(NF1):c.2284_2296del (p.Leu763fs)

Gene: NF1 (neurofibromin 1; plus strand). Cytogenetic location: 17q11.2.
Variant type: Deletion.
Coding change: c.2284_2296del on transcript NM_001042492.3 (MANE Select); coding-DNA positions 2284 to 2296, 13 bases deleted (CTGCTGAGGCGCA).
Protein change: p.Leu763fs; shifts the reading frame from leucine 763.
Molecular consequence: frameshift variant.
Genome position (GRCh38, 1-based): chr17:31,227,250-31,227,262, CTGCTGAGGCGCA deleted; deleting any 13 consecutive bases within chr17:31,227,247-31,227,262 gives the same sequence; the c. name uses the placement nearest the transcript's 3' end. VCF-style (leftmost placement, unchanged base first): chr17-31227246-GGCACTGCTGAGGC-G. GRCh37 (hg19) VCF-style: chr17-29554264-GGCACTGCTGAGGC-G.
Other names: c.2284_2296delCTGCTGAGGCGCA, p.Leu763Serfs (NM_000267.4); short protein forms L763fs.
Identifiers: ClinVar variation 2695450 (VCV002695450.3), dbSNP rs2508165903, ClinGen allele CA2697559720.

ClinVar aggregate classification (germline): Pathogenic (1 of 4 stars; one submission).

Conditions:
Neurofibromatosis, type 1 (NF1). Also called: Peripheral type neurofibromatosis; VON RECKLINGHAUSEN DISEASE; Neurofibromatosis, type I; NEUROFIBROMATOSIS, TYPE I, SOMATIC. Identifiers: Orphanet 636, MedGen C0027831, MONDO:0018975, OMIM 162200. Disease mechanism: loss of function.

Submission:

Labcorp Genetics (formerly Invitae), Labcorp
Classification: Pathogenic for Neurofibromatosis, type 1. Last evaluated: 2023-11-13. Review status: criteria provided, single submitter. Criteria: Invitae Variant Classification Sherloc (09022015). Collection method: clinical testing. Allele origin: germline.
Comment: This sequence change creates a premature translational stop signal (p.Leu763Serfs*24) in the NF1 gene. It is expected to result in an absent or disrupted protein product. Loss-of-function variants in NF1 are known to be pathogenic (PMID: 10712197, 23913538). This variant is not present in population databases (gnomAD no frequency). This variant has not been reported in the literature in individuals affected with NF1-related conditions. Algorithms developed to predict the effect of sequence changes on RNA splicing suggest that this variant may disrupt the consensus splice site. For these reasons, this variant has been classified as Pathogenic.

Literature cited by the submitters: PubMed 10712197; PubMed 23913538.